The following is an entry in ClinVar:

NM_198578.4(LRRK2):c.3607A>G (p.Met1203Val)

Gene: LRRK2 (leucine rich repeat kinase 2; plus strand). Cytogenetic location: 12q12.
Variant type: single nucleotide variant.
Coding change: c.3607A>G on transcript NM_198578.4 (MANE Select); coding-DNA position 3607, A replaced by G.
Protein change: p.Met1203Val; replaces methionine 1203 with valine.
Molecular consequence: missense variant.
Genome position (GRCh38, 1-based): chr12:40,303,964, A>G. VCF-style: chr12-40303964-A-G. GRCh37 (hg19) VCF-style: chr12-40697766-A-G.
Other names: short protein forms M1203V.
Identifiers: ClinVar variation 1733163 (VCV001733163.2), dbSNP rs2499780773, ClinGen allele CA384416549.

ClinVar aggregate classification (germline): Uncertain significance (1 of 4 stars; one submission).

Conditions:
Inborn genetic diseases. Identifiers: MedGen C0950123, MeSH D030342.

Submission:

Ambry Genetics
Classification: Uncertain significance for Inborn genetic diseases. Last evaluated: 2021-11-21. Review status: criteria provided, single submitter. Criteria: Ambry Variant Classification Scheme 2023. Collection method: clinical testing. Allele origin: germline.
Comment: The p.M1203V variant (also known as c.3607A>G), located in coding exon 27 of the LRRK2 gene, results from an A to G substitution at nucleotide position 3607. The methionine at codon 1203 is replaced by valine, an amino acid with highly similar properties. This amino acid position is conserved. In addition, this alteration is predicted to be tolerated by in silico analysis. Since supporting evidence is limited at this time, the clinical significance of this alteration remains unclear.